The following is an entry in ClinVar:

ClinVar aggregate classification (germline): Uncertain significance. Review status: criteria provided, multiple submitters, no conflicts (2 of 4 stars). 2 submissions from 2 submitters: Uncertain significance (2). Last evaluated 2025-06-18.

Conditions:
Bethlem myopathy 1A. Also called: Bethlem Muscular Dystrophy; MYOPATHY, BENIGN CONGENITAL, WITH CONTRACTURES; Bethlem myopathy 1. Identifiers: Orphanet 610, MedGen CN029274, MONDO:0024530, OMIM 158810.

Submissions (2):

GeneDx
Classification: Uncertain significance. Last evaluated: 2025-06-18. Review status: criteria provided, single submitter. Criteria: GeneDx Variant Classification Process June 2021. Collection method: clinical testing. Allele origin: germline. Affected: yes.
Comment: Not observed at significant frequency in large population cohorts (gnomAD); In-frame deletion of 1 amino acid in a non-repeat region; In silico analysis supports a deleterious effect on protein structure/function; Has not been previously published as pathogenic or benign to our knowledge

Labcorp Genetics (formerly Invitae), Labcorp
Classification: Uncertain significance for Bethlem myopathy 1A. Last evaluated: 2022-12-15. Review status: criteria provided, single submitter. Criteria: Invitae Variant Classification Sherloc (09022015). Collection method: clinical testing. Allele origin: germline.
Comment: This variant, c.1330_1332del, results in the deletion of 1 amino acid(s) of the COL6A2 protein (p.Lys444del), but otherwise preserves the integrity of the reading frame. This variant is not present in population databases (gnomAD no frequency). This variant has not been reported in the literature in individuals affected with COL6A2-related conditions. ClinVar contains an entry for this variant (Variation ID: 1045728). In summary, the available evidence is currently insufficient to determine the role of this variant in disease. Therefore, it has been classified as a Variant of Uncertain Significance.

NM_001849.4(COL6A2):c.1330_1332del (p.Lys444del)

Gene: COL6A2 (collagen type VI alpha 2 chain; plus strand). Cytogenetic location: 21q22.3.
Variant type: Deletion.
Coding change: c.1330_1332del on transcript NM_001849.4 (MANE Select); coding-DNA positions 1330 to 1332, 3 bases deleted (AAG; older notation c.1330_1332delAAG).
Protein change: p.Lys444del; deletes lysine 444.
Molecular consequence: inframe deletion.
Genome position (GRCh38, 1-based): chr21:46,119,848-46,119,850, AAG deleted; deleting any 3 consecutive bases within chr21:46,119,846-46,119,850 gives the same sequence; the c. name uses the placement nearest the transcript's 3' end. VCF-style (leftmost placement, unchanged base first): chr21-46119845-GAGA-G. GRCh37 (hg19) VCF-style: chr21-47539759-GAGA-G.
Other names: c.1330_1332del (NM_001849.3); c.1330_1332del, p.Lys444del (NM_058174.3, NM_058175.3); short protein forms K444del.
Identifiers: ClinVar variation 1045728 (VCV001045728.10), dbSNP rs2078532600, ClinGen allele CA2392502924.
Genomic context (GRCh38, chr21:46,119,845, plus strand): 5'-CAGGGGCGCAGGGGAGACCCCGGCACCAAGGGCAGCCCAGGCAGCGATGGCCCCAAGGGG[GAGA>G]AGGTGAGTCCTCGTGTGGAGGCAGCCCAGGGTCTCACTGTGGTGCCCATGGGCCCTGCTG-3'